The following is an entry in ClinVar:

ClinVar aggregate classification (germline): Uncertain significance. Review status: criteria provided, single submitter (1 of 4 stars). 2 submissions from 2 submitters: Uncertain significance (1). 1 of the submissions does not count toward it. Last evaluated 2022-11-15.

Conditions:
Early-infantile DEE. Also called: Early infantile epileptic encephalopathy; Ohtahara syndrome; Early infantile epileptic encephalopathy with suppression bursts. Identifiers: Orphanet 1934, MedGen C0393706, MONDO:0800491.
KCNH5-related disorder. Also called: KCNH5-related condition.

Submissions (2):

Labcorp Genetics (formerly Invitae), Labcorp
Classification: Uncertain significance for Early-infantile DEE. Last evaluated: 2022-11-15. Review status: criteria provided, single submitter. Criteria: Invitae Variant Classification Sherloc (09022015). Collection method: clinical testing. Allele origin: germline.
Comment: This variant is not present in population databases (gnomAD no frequency). This variant has not been reported in the literature in individuals affected with KCNH5-related conditions. Advanced modeling of protein sequence and biophysical properties (such as structural, functional, and spatial information, amino acid conservation, physicochemical variation, residue mobility, and thermodynamic stability) performed at Invitae indicates that this missense variant is not expected to disrupt KCNH5 protein function. This sequence change replaces glutamic acid, which is acidic and polar, with valine, which is neutral and non-polar, at codon 688 of the KCNH5 protein (p.Glu688Val). In summary, the available evidence is currently insufficient to determine the role of this variant in disease. Therefore, it has been classified as a Variant of Uncertain Significance.

PreventionGenetics, part of Exact Sciences
Classification: Uncertain significance for KCNH5-related condition. Last evaluated: 2024-03-28. Review status: no assertion criteria provided. Collection method: clinical testing. Allele origin: germline. Not counted in ClinVar's aggregate classification.
Comment: The KCNH5 c.2063A>T variant is predicted to result in the amino acid substitution p.Glu688Val. To our knowledge, this variant has not been reported in the literature or in a large population database, indicating this variant is rare. At this time, the clinical significance of this variant is uncertain due to the absence of conclusive functional and genetic evidence.

NM_139318.5(KCNH5):c.2063A>T (p.Glu688Val)

Gene: KCNH5 (potassium voltage-gated channel subfamily H member 5; minus strand). Cytogenetic location: 14q23.2.
Variant type: single nucleotide variant.
Coding change: c.2063A>T on transcript NM_139318.5 (MANE Select); coding-DNA position 2063, A replaced by T.
Protein change: p.Glu688Val; replaces glutamic acid 688 with valine.
Molecular consequence: missense variant. On other transcripts: 3 prime UTR variant (1).
Genome position (GRCh38, 1-based): chr14:62,708,412, T>A on the plus strand (A>T on the coding strand, the complement: KCNH5 is on the minus strand). VCF-style: chr14-62708412-T-A. GRCh37 (hg19) VCF-style: chr14-63175130-T-A.
Other names: c.*30A>T (NM_172375.3); c.2063A>T (NM_139318.4); short protein forms E688V.
Identifiers: ClinVar variation 2963908 (VCV002963908.4), dbSNP rs1884491164, ClinGen allele CA390101423.
Genomic context (GRCh38, chr14:62,708,412, plus strand): 5'-TTTCTGACTGGGTGGTCCACGGGAATGCTGAGGGTCACCTCATTCTTCTGCCGGAGGCGC[T>A]CCTCCTCCTCTTTCTTCACATCACTGATCTTACGAAAGATGATCTGTGGAACGGGAGAGA-3'
Protein context (NP_647479.2, residues 678-698): KISDVKKEEE[Glu688Val]RLRQKNEVTL